The following is an entry in ClinVar:

NM_138694.4(PKHD1):c.218G>A (p.Arg73Gln)

Gene: PKHD1 (PKHD1 ciliary IPT domain containing fibrocystin/polyductin; minus strand). Cytogenetic location: 6p12.2.
Variant type: single nucleotide variant.
Coding change: c.218G>A on transcript NM_138694.4 (MANE Select); coding-DNA position 218, G replaced by A.
Protein change: p.Arg73Gln; replaces arginine 73 with glutamine.
Molecular consequence: missense variant.
Genome position (GRCh38, 1-based): chr6:52,082,455, C>T on the plus strand (G>A on the coding strand, the complement: PKHD1 is on the minus strand). VCF-style: chr6-52082455-C-T. GRCh37 (hg19) VCF-style: chr6-51947253-C-T.
Other names: p.Arg73Gln; c.218G>A, p.Arg73Gln (NM_170724.3); short protein forms R73Q.
Identifiers: ClinVar variation 970721 (VCV000970721.11), dbSNP rs577541526, ClinGen allele CA3853991.
Genomic context (GRCh38, chr6:52,082,455, plus strand): 5'-GTCCGGCATGTCACCACAGGCAAATCCAAGAAAACAGGAAAGACGTCACAGGGAACACTC[C>T]GCAGTGCGGGCACCACCATGTTCACGTTCACCAGGTGTATCTCCAATTGAGAGCCATTGT-3'
Protein context (NP_619639.3, residues 63-83): VNVNMVVPAL[Arg73Gln]SVPCDVFPVF

ClinVar aggregate classification (germline): Uncertain significance. Review status: criteria provided, multiple submitters, no conflicts (2 of 4 stars). 5 submissions from 5 submitters: Uncertain significance (4). 1 of the submissions does not count toward it. Last evaluated 2025-04-30.

Conditions:
Polycystic kidney disease 4 (PKD4). Also called: PKD3; Autosomal Recessive Polycystic Kidney Disease – PKHD1; POLYCYSTIC KIDNEY AND HEPATIC DISEASE 1; POLYCYSTIC KIDNEY DISEASE, INFANTILE, TYPE I; POLYCYSTIC KIDNEY DISEASE 4 WITH OR WITHOUT POLYCYSTIC LIVER DISEASE. Identifiers: MedGen C4540575, MONDO:0033004, OMIM 263200.
Autosomal recessive polycystic kidney disease (ARPKD). Also called: AR polycystic kidney disease. Identifiers: Orphanet 731, Orphanet 8378, MedGen C0085548, MeSH D017044, MONDO:0009889.

Allele frequency attached by ClinVar (database versions not stated): gnomAD exomes 0.00002 and 0.00004; ExAC 0.00004; gnomAD 0.00004 and 0.00005; TOPMed 0.00005.

Submissions (5):

Mayo Clinic Laboratories, Mayo Clinic
Classification: Uncertain significance. Last evaluated: 2025-04-30. Review status: criteria provided, single submitter. Criteria: ACMG Guidelines, 2015. Collection method: clinical testing. Allele origin: germline. Observed: 1 variant allele.
Comment: BP4_moderate

Fulgent Genetics
Classification: Uncertain significance for Polycystic kidney disease 4. Last evaluated: 2024-06-24. Review status: criteria provided, single submitter. Criteria: ACMG Guidelines, 2015. Collection method: clinical testing. Allele origin: germline.

Department of Pathology and Laboratory Medicine, Sinai Health System
Classification: Uncertain significance for Polycystic kidney disease 4. Last evaluated: 2023-02-06. Review status: criteria provided, single submitter. Criteria: ACMG Guidelines, 2015. Collection method: clinical testing. Allele origin: germline. Affected: yes.

Labcorp Genetics (formerly Invitae), Labcorp
Classification: Uncertain significance for Autosomal recessive polycystic kidney disease. Last evaluated: 2022-05-29. Review status: criteria provided, single submitter. Criteria: Invitae Variant Classification Sherloc (09022015). Collection method: clinical testing. Allele origin: germline.
Comment: This sequence change replaces arginine, which is basic and polar, with glutamine, which is neutral and polar, at codon 73 of the PKHD1 protein (p.Arg73Gln). This variant is present in population databases (rs577541526, gnomAD 0.04%). This variant has not been reported in the literature in individuals affected with PKHD1-related conditions. ClinVar contains an entry for this variant (Variation ID: 970721). Advanced modeling of protein sequence and biophysical properties (such as structural, functional, and spatial information, amino acid conservation, physicochemical variation, residue mobility, and thermodynamic stability) performed at Invitae indicates that this missense variant is not expected to disrupt PKHD1 protein function. Algorithms developed to predict the effect of sequence changes on RNA splicing suggest that this variant may create or strengthen a splice site. In summary, the available evidence is currently insufficient to determine the role of this variant in disease. Therefore, it has been classified as a Variant of Uncertain Significance.

Natera, Inc.
Classification: Uncertain significance for Autosomal recessive polycystic kidney disease. Last evaluated: 2018-06-21. Review status: no assertion criteria provided. Collection method: clinical testing. Allele origin: germline. Not counted in ClinVar's aggregate classification.

Literature cited by the submitters: PubMed 35778421 (cited by Mayo Clinic Laboratories, Mayo Clinic).